The following is an entry in ClinVar:

ClinVar aggregate classification (germline): Uncertain significance (1 of 4 stars; one submission).

Conditions:
Generalized epilepsy with febrile seizures plus, type 7 (GEFSP7). Also called: GEFS+, TYPE 7. Identifiers: Orphanet 36387, MedGen C2751778, MONDO:0013470, OMIM 613863.
Neuropathy, hereditary sensory and autonomic, type 2A (HSAN2A). Also called: ACROOSTEOLYSIS, GIACCAI TYPE; ACROOSTEOLYSIS, NEUROGENIC; MORVAN DISEASE; NEUROPATHY, CONGENITAL SENSORY; NEUROPATHY, HEREDITARY SENSORY RADICULAR, AUTOSOMAL RECESSIVE; NEUROPATHY, HEREDITARY SENSORY, TYPE IIA. Identifiers: Orphanet 970, MedGen C2752089, MONDO:0024309, OMIM 201300.

Allele frequency attached by ClinVar (database versions not stated): gnomAD exomes below 0.00001.
gnomAD v4.1: 2 of 1,612,382 alleles (0.00012%); highest among the groups gnomAD compares: Non-Finnish European, 0.00017%; no homozygotes.

Submission:

Labcorp Genetics (formerly Invitae), Labcorp
Classification: Uncertain significance for Neuropathy, hereditary sensory and autonomic, type 2A; Generalized epilepsy with febrile seizures plus, type 7. Last evaluated: 2023-05-01. Review status: criteria provided, single submitter. Criteria: Invitae Variant Classification Sherloc (09022015). Collection method: clinical testing. Allele origin: germline.
Comment: This sequence change replaces methionine, which is neutral and non-polar, with isoleucine, which is neutral and non-polar, at codon 70 of the SCN9A protein (p.Met70Ile). This variant is not present in population databases (gnomAD no frequency). In summary, the available evidence is currently insufficient to determine the role of this variant in disease. Therefore, it has been classified as a Variant of Uncertain Significance. Advanced modeling of protein sequence and biophysical properties (such as structural, functional, and spatial information, amino acid conservation, physicochemical variation, residue mobility, and thermodynamic stability) performed at Invitae indicates that this missense variant is not expected to disrupt SCN9A protein function. ClinVar contains an entry for this variant (Variation ID: 1035623). This variant has not been reported in the literature in individuals affected with SCN9A-related conditions.

NM_001365536.1(SCN9A):c.210G>A (p.Met70Ile)

Gene: SCN9A (sodium voltage-gated channel alpha subunit 9; minus strand). Cytogenetic location: 2q24.3.
Variant type: single nucleotide variant.
Coding change: c.210G>A on transcript NM_001365536.1 (MANE Select); coding-DNA position 210, G replaced by A.
Protein change: p.Met70Ile; replaces methionine 70 with isoleucine.
Molecular consequence: missense variant.
Genome position (GRCh38, 1-based): chr2:166,311,547, C>T on the plus strand (G>A on the coding strand, the complement: SCN9A is on the minus strand). VCF-style: chr2-166311547-C-T. GRCh37 (hg19) VCF-style: chr2-167168057-C-T.
Other names: c.210G>A, p.Met70Ile (NM_002977.4); short protein forms M70I.
Identifiers: ClinVar variation 1035623 (VCV001035623.9), dbSNP rs1574913387, ClinGen allele CA349095869.
Genomic context (GRCh38, chr2:166,311,547, plus strand): 5'-AAATAAACTCACCTTTTTGTCTGCATAGTAGGGGTCCAAGTCCTCCAGGGGCTCTGACAC[C>T]ATGCCGGGAGGAATGTCCCCATAGATGAAGGGCAGCTGTTTGCCAGCTTCCAAGTCACTG-3'
Protein context (NP_001352465.1, residues 60-80): PFIYGDIPPG[Met70Ile]VSEPLEDLDP